The following is an entry in ClinVar:

NM_017763.6(RNF43):c.1086C>T (p.Ser362=)

Gene: RNF43 (ring finger protein 43; minus strand). Cytogenetic location: 17q22.
Variant type: single nucleotide variant.
Coding change: c.1086C>T on transcript NM_017763.6 (MANE Select); coding-DNA position 1086, C replaced by T.
Protein change: p.Ser362=; no amino-acid change (serine 362 retained).
Molecular consequence: synonymous variant.
Genome position (GRCh38, 1-based): chr17:58,358,690, G>A on the plus strand (C>T on the coding strand, the complement: RNF43 is on the minus strand). VCF-style: chr17-58358690-G-A. GRCh37 (hg19) VCF-style: chr17-56436051-G-A.
Other names: c.1086C>T, p.Ser362= (NM_001305544.3, NM_001438820.1, NM_001438821.1 and 1 more transcripts); c.705C>T, p.Ser235= (NM_001305545.2, NM_001437987.1).
Identifiers: ClinVar variation 5042450 (VCV005042450.1).

ClinVar aggregate classification (germline): Benign (1 of 4 stars; one submission).

Conditions:
Sessile serrated polyposis cancer syndrome (SSPCS). Identifiers: Orphanet 157798, MedGen C4310714, MONDO:0014919, OMIM 617108.

Submission:

Myriad Genetics, Inc.
Classification: Benign for Sessile serrated polyposis cancer syndrome. Last evaluated: 2026-07-01. Review status: criteria provided, single submitter. Criteria: Myriad Autosomal Dominant, Autosomal Recessive and X-Linked Classification Criteria (2023). Collection method: clinical testing. Allele origin: unknown.
Comment: This variant is considered benign. This variant is a silent/synonymous amino acid change and it is not expected to impact splicing.